The following is an entry in ClinVar:

ClinVar aggregate classification (germline): Uncertain significance (1 of 4 stars; one submission).

Submission:

GeneDx
Classification: Uncertain significance. Last evaluated: 2026-03-18. Review status: criteria provided, single submitter. Criteria: GeneDx Variant Classification Process June 2021. Collection method: clinical testing. Allele origin: germline.
Comment: Not observed at significant frequency in large population cohorts (gnomAD); In silico analysis supports that this missense variant has a deleterious effect on protein structure/function; Has not been previously published as pathogenic or benign to our knowledge; In silico analysis is inconclusive as to whether the variant alters gene splicing. In the absence of RNA/functional studies, the actual effect of this sequence change is unknown.

NM_001349253.2(SCN11A):c.2418C>A (p.Phe806Leu)

Gene: SCN11A (sodium voltage-gated channel alpha subunit 11; minus strand). Cytogenetic location: 3p22.2.
Variant type: single nucleotide variant.
Coding change: c.2418C>A on transcript NM_001349253.2 (MANE Select); coding-DNA position 2418, C replaced by A.
Protein change: p.Phe806Leu; replaces phenylalanine 806 with leucine.
Molecular consequence: missense variant.
Genome position (GRCh38, 1-based): chr3:38,894,950, G>T on the plus strand (C>A on the coding strand, the complement: SCN11A is on the minus strand). VCF-style: chr3-38894950-G-T. GRCh37 (hg19) VCF-style: chr3-38936441-G-T.
Other names: c.2418C>A, p.Phe806Leu (NM_014139.3); short protein forms F806L.
Identifiers: ClinVar variation 5009439 (VCV005009439.1).
Genomic context (GRCh38, chr3:38,894,950, plus strand): 5'-CTCTCCTTCTAAGTTTCCATTTCTTTCCTCATTGCTAAAGGAATTGAGCAGTAAGGCAAT[G>T]AAGAGGTTGAGCACCTGGGAATGGGGTGGGTAGCAAGAAGAAAGGAAAGTTTAGCAAAGG-3'
Protein context (NP_001336182.1, residues 796-816): VIGKLVVLNL[Phe806Leu]IALLLNSFSN